The following is an entry in ClinVar:

NM_001368397.1(FRMPD4):c.572C>T (p.Ser191Leu)

Gene: FRMPD4 (FERM and PDZ domain containing 4; plus strand). Cytogenetic location: Xp22.2.
Variant type: single nucleotide variant.
Coding change: c.572C>T on transcript NM_001368397.1 (MANE Select); coding-DNA position 572, C replaced by T.
Protein change: p.Ser191Leu; replaces serine 191 with leucine.
Molecular consequence: missense variant.
Genome position (GRCh38, 1-based): chrX:12,683,586, C>T. VCF-style: chrX-12683586-C-T. GRCh37 (hg19) VCF-style: chrX-12701705-C-T.
Other names: c.683C>T, p.Ser228Leu (NM_001368395.3, NM_001368398.3); c.578C>T, p.Ser193Leu (NM_001368396.3); c.563C>T, p.Ser188Leu (NM_001368399.3); c.452C>T, p.Ser151Leu (NM_001368400.3); c.548C>T, p.Ser183Leu (NM_001368401.1, NM_001368402.3); c.572C>T, p.Ser191Leu (NM_014728.3); short protein forms S151L, S183L, S188L, S191L, S193L, S228L.
Identifiers: ClinVar variation 985069 (VCV000985069.6), dbSNP rs1263695778, ClinGen allele CA412007403.

ClinVar aggregate classification (germline): Uncertain significance. Review status: criteria provided, multiple submitters, no conflicts (2 of 4 stars). 3 submissions from 3 submitters: Uncertain significance (3). Last evaluated 2026-05-14.

Conditions:
Intellectual developmental disorder, X-linked 104. Also called: Intellectual disability, X-linked 104. Identifiers: MedGen C4310817, MONDO:0010509, OMIM 300983.
Inborn genetic diseases. Identifiers: MedGen C0950123, MeSH D030342.

Allele frequency attached by ClinVar (database versions not stated): gnomAD exomes 0.00001.
gnomAD v4.1: 9 of 1,076,066 alleles (0.00084%); highest among the groups gnomAD compares: South Asian, 0.0038%; no homozygotes.

Submissions (3):

GeneDx
Classification: Uncertain significance. Last evaluated: 2026-05-14. Review status: criteria provided, single submitter. Criteria: GeneDx Variant Classification Process June 2021. Collection method: clinical testing. Allele origin: germline.
Comment: Not observed at significant frequency in large population cohorts (gnomAD); In silico analysis suggests that this missense variant does not alter protein structure/function; Has not been previously published as pathogenic or benign to our knowledge

Illumina Laboratory Services, Illumina
Classification: Uncertain significance for Intellectual developmental disorder, X-linked 104. Last evaluated: 2023-08-02. Review status: criteria provided, single submitter. Criteria: ICSLVariantClassificationCriteria RUGD 01 April 2020. Collection method: clinical testing. Allele origin: unknown.
Comment: The FRMPD4 c.572C>T p.(Ser191Leu) missense variant has not, to our knowledge, been reported in the peer-reviewed literature. It is not observed at a significant frequency in version 2.1.1 or version 3.1.2 of the Genome Aggregation Database. Based on the available evidence, the c.572C>T p.(Ser191Leu) variant is classified as a variant of uncertain significance for X-linked intellectual developmental disorder.

Ambry Genetics
Classification: Uncertain significance for Inborn genetic diseases. Last evaluated: 2018-02-07. Review status: criteria provided, single submitter. Criteria: Ambry exome assertion method (8-5-2015). Collection method: clinical testing. Allele origin: germline. Affected: yes. Observed: 1 variant allele.